The following is an entry in ClinVar:

NM_002334.4(LRP4):c.2936G>A (p.Arg979Gln)

Gene: LRP4 (LDL receptor related protein 4; minus strand). Cytogenetic location: 11p11.2.
Variant type: single nucleotide variant.
Coding change: c.2936G>A on transcript NM_002334.4 (MANE Select); coding-DNA position 2936, G replaced by A.
Protein change: p.Arg979Gln; replaces arginine 979 with glutamine.
Molecular consequence: missense variant.
Genome position (GRCh38, 1-based): chr11:46,879,194, C>T on the plus strand (G>A on the coding strand, the complement: LRP4 is on the minus strand). VCF-style: chr11-46879194-C-T. GRCh37 (hg19) VCF-style: chr11-46900745-C-T.
Other names: c.2936G>A (NM_002334.3); short protein forms R979Q.
Identifiers: ClinVar variation 2199932 (VCV002199932.2), dbSNP rs754372042, ClinGen allele CA5969750.

ClinVar aggregate classification (germline): Uncertain significance. Review status: criteria provided, multiple submitters, no conflicts (2 of 4 stars). 2 submissions from 2 submitters: Uncertain significance (2). Last evaluated 2025-06-03.

Conditions:
Sclerosteosis 2 (SOST2). Identifiers: Orphanet 3152, MedGen C3280402, MONDO:0013679, OMIM 614305.
Congenital myasthenic syndrome 17. Identifiers: Orphanet 590, MedGen C4225377, MONDO:0014578, OMIM 616304.
Cenani-Lenz syndactyly syndrome. Also called: SYNDACTYLY, TYPE VII; CENANI SYNDACTYLISM. Identifiers: Orphanet 3258, MedGen C1859309, MONDO:0008931, OMIM 212780.
Inborn genetic diseases. Identifiers: MedGen C0950123, MeSH D030342.

Allele frequency attached by ClinVar (database versions not stated): gnomAD exomes 0.00001; TOPMed 0.00001; gnomAD 0.00001; ExAC 0.00001.
gnomAD v4.1: 22 of 1,614,112 alleles (0.0014%); highest among the groups gnomAD compares: South Asian, 0.0044%; no homozygotes.

Submissions (2):

Ambry Genetics
Classification: Uncertain significance for Inborn genetic diseases. Last evaluated: 2025-06-03. Review status: criteria provided, single submitter. Criteria: Ambry Variant Classification Scheme 2023. Collection method: clinical testing. Allele origin: germline.

Labcorp Genetics (formerly Invitae), Labcorp
Classification: Uncertain significance for Cenani-Lenz syndactyly syndrome; Sclerosteosis 2; Congenital myasthenic syndrome 17. Last evaluated: 2022-03-01. Review status: criteria provided, single submitter. Criteria: Invitae Variant Classification Sherloc (09022015). Collection method: clinical testing. Allele origin: germline.
Comment: This sequence change replaces arginine, which is basic and polar, with glutamine, which is neutral and polar, at codon 979 of the LRP4 protein (p.Arg979Gln). This variant is present in population databases (rs754372042, gnomAD 0.007%). This variant has not been reported in the literature in individuals affected with LRP4-related conditions. Algorithms developed to predict the effect of missense changes on protein structure and function (SIFT, PolyPhen-2, Align-GVGD) all suggest that this variant is likely to be disruptive. In summary, the available evidence is currently insufficient to determine the role of this variant in disease. Therefore, it has been classified as a Variant of Uncertain Significance.